The following is an entry in ClinVar:

NM_004360.5(CDH1):c.229G>T (p.Val77Leu)

Gene: CDH1 (cadherin 1; plus strand). Cytogenetic location: 16q22.1.
Variant type: single nucleotide variant.
Coding change: c.229G>T on transcript NM_004360.5 (MANE Select); coding-DNA position 229, G replaced by T.
Protein change: p.Val77Leu; replaces valine 77 with leucine.
Molecular consequence: missense variant. On other transcripts: 5 prime UTR variant (2).
Genome position (GRCh38, 1-based): chr16:68,801,735, G>T. VCF-style: chr16-68801735-G-T. GRCh37 (hg19) VCF-style: chr16-68835638-G-T.
Other names: c.229G>T, p.Val77Leu (NM_001317184.2); c.-1387G>T (NM_001317185.2); c.-1591G>T (NM_001317186.2); short protein forms V77L.
Identifiers: ClinVar variation 821053 (VCV000821053.4), dbSNP rs1597884672, ClinGen allele CA396457203.
Genomic context (GRCh38, chr16:68,801,735, plus strand): 5'-TTTGAAGATTGCACCGGTCGACAAAGGACAGCCTATTTTTCCCTCGACACCCGATTCAAA[G>T]TGGGCACAGATGGTGTGATTACAGTCAAAAGGCCTCTACGGTTTCATAACCCACAGATCC-3'
Protein context (NP_004351.1, residues 67-87): AYFSLDTRFK[Val77Leu]GTDGVITVKR

ClinVar aggregate classification (germline): Uncertain significance (1 of 4 stars; one submission).

Conditions:
Hereditary cancer-predisposing syndrome. Also called: Neoplastic Syndromes, Hereditary; Tumor predisposition; Hereditary Cancer Syndrome; Hereditary neoplastic syndrome. Identifiers: Orphanet 140162, MedGen C0027672, MeSH D009386, MONDO:0015356.

Submission:

Ambry Genetics
Classification: Uncertain significance for Hereditary cancer-predisposing syndrome. Last evaluated: 2018-12-13. Review status: criteria provided, single submitter. Criteria: Ambry Variant Classification Scheme 2023. Collection method: clinical testing. Allele origin: germline.
Comment: The p.V77L variant (also known as c.229G>T), located in coding exon 3 of the CDH1 gene, results from a G to T substitution at nucleotide position 229. The valine at codon 77 is replaced by leucine, an amino acid with highly similar properties. This amino acid position is highly conserved in available vertebrate species. In addition, this alteration is predicted to be tolerated by in silico analysis. Since supporting evidence is limited at this time, the clinical significance of this alteration remains unclear.